The following is an entry in ClinVar:

ClinVar aggregate classification (germline): Pathogenic/Likely pathogenic. Review status: criteria provided, multiple submitters, no conflicts (2 of 4 stars). 6 submissions from 6 submitters: Pathogenic (2); Likely pathogenic (3). 1 of the submissions does not count toward it. Last evaluated 2024-10-12.

Conditions:
Retinal dystrophy. Also called: Inherited retinal dystrophy. Identifiers: Orphanet 71862, MedGen C0854723, MeSH D058499, MONDO:0019118, HP:0000556.
Retinitis pigmentosa 25 (RP25). Identifiers: Orphanet 791, MedGen C1864446, MONDO:0011272, OMIM 602772.

Submissions (6):

Natera, Inc.
Classification: Pathogenic for Retinitis pigmentosa type 25. Last evaluated: 2024-10-12. Review status: criteria provided, single submitter. Criteria: Natera Variant Classification Schema (03/2026). Collection method: clinical testing. Allele origin: germline.
Comment: The c.7228_7228+1delGGinsTA variant in EYS is a canonical splice donor site variant predicted to affect pre-mRNA splicing, which may result in an abnormal transcript and altered protein product. This variant is expected to result in nonsense mediated decay, truncation, or a dysfunctional protein product. This variant is rare in the general population with a frequency below the threshold expected for the associated phenotype(s). Another variant at this same site results in an alteration predicted to cause a similar molecular effect has been observed in individual(s) with the associated phenotype. Given the available evidence, this variant is classified as Pathogenic.

Labcorp Genetics (formerly Invitae), Labcorp
Classification: Likely pathogenic. Last evaluated: 2024-01-23. Review status: criteria provided, single submitter. Criteria: Invitae Variant Classification Sherloc (09022015). Collection method: clinical testing. Allele origin: germline.
Comment: This sequence change affects a splice site in intron 36 of the EYS gene. It is expected to disrupt RNA splicing. Variants that disrupt the donor or acceptor splice site typically lead to a loss of protein function (PMID: 16199547), and loss-of-function variants in EYS are known to be pathogenic (PMID: 18836446, 20333770). Information on the frequency of this variant in the gnomAD database is not available, as this variant may be reported differently in the database. This variant has not been reported in the literature in individuals affected with EYS-related conditions. ClinVar contains an entry for this variant (Variation ID: 846162). In summary, the currently available evidence indicates that the variant is pathogenic, but additional data are needed to prove that conclusively. Therefore, this variant has been classified as Likely Pathogenic.

Fulgent Genetics
Classification: Likely pathogenic for Retinitis pigmentosa 25. Last evaluated: 2024-01-05. Review status: criteria provided, single submitter. Criteria: ACMG Guidelines, 2015. Collection method: clinical testing. Allele origin: germline.

Baylor Genetics
Classification: Likely pathogenic for Retinitis pigmentosa 25. Last evaluated: 2023-09-30. Review status: criteria provided, single submitter. Criteria: ACMG Guidelines, 2015. Collection method: clinical testing. Allele origin: unknown.

CeGaT Center for Human Genetics Tuebingen
Classification: Pathogenic. Last evaluated: 2020-08-01. Review status: criteria provided, single submitter. Criteria: CeGaT Center For Human Genetics Tuebingen Variant Classification Criteria Version 2. Collection method: clinical testing. Allele origin: germline. Affected: yes. Observed: 1 variant allele.

Institute of Human Genetics, Univ. Regensburg, Univ. Regensburg
Classification: Pathogenic for Retinal dystrophy. Last evaluated: 2023-01-01. Review status: no assertion criteria provided. Criteria: ACMG Guidelines, 2015. Collection method: clinical testing. Allele origin: germline. Affected: yes. Not counted in ClinVar's aggregate classification.

Literature cited by the submitters: PubMed 16199547 (cited by Labcorp Genetics (formerly Invitae), Labcorp); PubMed 18836446 (cited by Labcorp Genetics (formerly Invitae), Labcorp); PubMed 20333770 (cited by Labcorp Genetics (formerly Invitae), Labcorp).

NM_001142800.2(EYS):c.7228_7228+1delinsTA

Gene: EYS (EGF-like photoreceptor maintenance factor; minus strand). Cytogenetic location: 6q12.
Variant type: Indel.
Coding change: c.7228_7228+1delinsTA on transcript NM_001142800.2 (MANE Select); coding-DNA position 7228 through the canonical splice donor site of the intron after coding-DNA position 7228, GG replaced by TA.
Molecular consequence: splice donor variant.
Genome position (GRCh38, 1-based): chr6:63,864,185-63,864,186, CC replaced by TA on the plus strand (GG replaced by TA on the coding strand, the reverse complement: EYS is on the minus strand). VCF-style: chr6-63864185-CC-TA. GRCh37 (hg19) VCF-style: chr6-64574078-CC-TA.
Other names: c.7228_7228+1delinsTA (NM_001292009.2); c.7228_7228+1delGGinsTA (NM_001142800.1).
Identifiers: ClinVar variation 846162 (VCV000846162.41), dbSNP rs1772614934, ClinGen allele CA916082862.